The following is an entry in ClinVar:

NM_000552.5(VWF):c.2282-2A>G

Gene: VWF (von Willebrand factor; minus strand). Cytogenetic location: 12p13.31.
Variant type: single nucleotide variant.
Coding change: c.2282-2A>G on transcript NM_000552.5 (MANE Select); the canonical splice acceptor site of the intron before coding-DNA position 2282, A replaced by G.
Molecular consequence: splice acceptor variant.
Genome position (GRCh38, 1-based): chr12:6,044,453, T>C on the plus strand (A>G on the coding strand, the complement: VWF is on the minus strand). VCF-style: chr12-6044453-T-C. GRCh37 (hg19) VCF-style: chr12-6153619-T-C.
Identifiers: ClinVar variation 1065269 (VCV001065269.3), dbSNP rs2136440498, ClinGen allele CA383522685.

ClinVar aggregate classification (germline): Uncertain significance (0 of 4 stars; one submission).

Conditions:
von Willebrand disease type 3 (VWD3). Also called: Type 3 Von Willebrand's disease; Type 3 VWD; Von Willebrand disease, severe form; V WD3; VON WILLEBRAND DISEASE, TYPE III. Identifiers: Orphanet 166096, MedGen C1264041, MONDO:0010191, OMIM 277480.

Submission:

Angelo Bianchi Bonomi Hemophilia and Thrombosis Center, Fondazione IRCCS Ca Granda Ospedale Maggiore Policlinico
Classification: Uncertain significance for von Willebrand disease type 3. Last evaluated: 2020-11-01. Review status: no assertion criteria provided. Collection method: clinical testing. Allele origin: germline. Affected: yes. Study: Type 3 Von Willebrand International Registries Inhibitor Prospective Study (3WINTERS-IPS).
Comment: ClinGen Pathogenicity Calculator